The following is an entry in ClinVar:

ClinVar aggregate classification (germline): Uncertain significance. Review status: criteria provided, multiple submitters, no conflicts (2 of 4 stars). 3 submissions from 3 submitters: Uncertain significance (3). Last evaluated 2026-05-24.

Conditions:
Hereditary cancer-predisposing syndrome. Also called: Neoplastic Syndromes, Hereditary; Hereditary neoplastic syndrome; Hereditary Cancer Syndrome; Tumor predisposition. Identifiers: Orphanet 140162, MedGen C0027672, MeSH D009386, MONDO:0015356.
Familial cancer of breast. Also called: hereditary breast carcinoma; BREAST CANCER, FAMILIAL; Hereditary breast cancer. Identifiers: Orphanet 227535, MedGen C0346153, MONDO:0016419, OMIM 114480. Disease mechanism: loss of function.

Submissions (3):

Helix
Classification: Uncertain significance for Familial cancer of breast. Last evaluated: 2026-05-24. Review status: criteria provided, single submitter. Criteria: ACMG Guidelines, 2015. Collection method: clinical testing. Allele origin: germline. Inheritance: Autosomal dominant inheritance.
Comment: This variant (NM_000465.4:c.886G>C p.Glu296Gln) results in the substitution of glutamic acid with glutamine at codon 296 in the BARD1 protein. It is a rare variant that is absent from the large gnomAD population database (v4.1). To our knowledge, this variant has not been reported in individuals with BARD1-related conditions in the published literature. In silico prediction from REVEL (PMID: 27666373) suggests that this variant may be benign. Functional studies have not found evidence that this variant affects protein function (PMID: 41282735 preprint, not peer-reviewed yet). This variant is present in ClinVar (Accession: VCV000479163.14). In conclusion, since the available evidence is limited, the clinical significance of this variant is unclear at this time. Therefore, it is classified as a Variant of Uncertain Significance.

Ambry Genetics
Classification: Uncertain significance for Hereditary cancer-predisposing syndrome. Last evaluated: 2022-12-07. Review status: criteria provided, single submitter. Criteria: Ambry Variant Classification Scheme 2023. Collection method: clinical testing. Allele origin: germline.
Comment: The p.E296Q variant (also known as c.886G>C), located in coding exon 4 of the BARD1 gene, results from a G to C substitution at nucleotide position 886. The glutamic acid at codon 296 is replaced by glutamine, an amino acid with highly similar properties. This amino acid position is well conserved in available vertebrate species. In addition, this alteration is predicted to be tolerated by in silico analysis. Since supporting evidence is limited at this time, the clinical significance of this alteration remains unclear.

Labcorp Genetics (formerly Invitae), Labcorp
Classification: Uncertain significance for Familial cancer of breast. Last evaluated: 2021-11-10. Review status: criteria provided, single submitter. Criteria: Invitae Variant Classification Sherloc (09022015). Collection method: clinical testing. Allele origin: germline.
Comment: In summary, the available evidence is currently insufficient to determine the role of this variant in disease. Therefore, it has been classified as a Variant of Uncertain Significance. Algorithms developed to predict the effect of missense changes on protein structure and function are either unavailable or do not agree on the potential impact of this missense change (SIFT: "Tolerated"; PolyPhen-2: "Possibly Damaging"; Align-GVGD: "Class C0"). ClinVar contains an entry for this variant (Variation ID: 479163). This variant has not been reported in the literature in individuals affected with BARD1-related conditions. This variant is not present in population databases (gnomAD no frequency). This sequence change replaces glutamic acid, which is acidic and polar, with glutamine, which is neutral and polar, at codon 296 of the BARD1 protein (p.Glu296Gln).

NM_000465.4(BARD1):c.886G>C (p.Glu296Gln)

Gene: BARD1 (BRCA1 associated RING domain 1; minus strand). Cytogenetic location: 2q35.
Variant type: single nucleotide variant.
Coding change: c.886G>C on transcript NM_000465.4 (MANE Select); coding-DNA position 886, G replaced by C.
Protein change: p.Glu296Gln; replaces glutamic acid 296 with glutamine.
Molecular consequence: missense variant. On other transcripts: non-coding transcript variant (2), intron variant (3).
Genome position (GRCh38, 1-based): chr2:214,780,988, C>G on the plus strand (G>C on the coding strand, the complement: BARD1 is on the minus strand). VCF-style: chr2-214780988-C-G. GRCh37 (hg19) VCF-style: chr2-215645712-C-G.
Other names: c.829G>C, p.Glu277Gln (NM_001282543.2); c.158+28424G>C (NM_001282548.2); c.215+16073G>C (NM_001282545.2); c.364+11309G>C (NM_001282549.2); short protein forms E296Q, E277Q.
Identifiers: ClinVar variation 479163 (VCV000479163.15), dbSNP rs1553622368, ClinGen allele CA350455146.